The following is an entry in ClinVar:

ClinVar aggregate classification (germline): Benign (1 of 4 stars; one submission).

Conditions:
Disorders of Intracellular Cobalamin Metabolism. Identifiers: MedGen CN043592.

Allele frequency attached by ClinVar (database versions not stated): gnomAD exomes 0.00045 and 0.00100; ExAC 0.00057; 1000 Genomes Project 30x 0.00265; 1000 Genomes Project 0.00280; gnomAD 0.00323 and 0.00344; TOPMed 0.00352.
gnomAD v4.1: 569 of 326,770 alleles (0.17%); highest among the groups gnomAD compares: African/African-American, 1.1%; 4 homozygotes.

Submission:

Illumina Laboratory Services, Illumina
Classification: Benign for Disorders of Intracellular Cobalamin Metabolism. Last evaluated: 2018-01-12. Review status: criteria provided, single submitter. Criteria: ICSL Variant Classification Criteria 13 December 2019. Collection method: clinical testing. Allele origin: germline.
Comment: This variant was observed in the ICSL laboratory as part of a predisposition screen in an ostensibly healthy population. It had not been previously curated by ICSL or reported in the Human Gene Mutation Database (HGMD: prior to June 1st, 2018), and was therefore a candidate for classification through an automated scoring system. Utilizing variant allele frequency, disease prevalence and penetrance estimates, and inheritance mode, an automated score was calculated to assess if this variant is too frequent to cause the disease. Based on the score and internal cut-off values, a variant classified as benign is not then subjected to further curation. The score for this variant resulted in a classification of benign for this disease.

NM_000254.3(MTR):c.*2584C>T

Gene: MTR (5-methyltetrahydrofolate-homocysteine methyltransferase; plus strand). Cytogenetic location: 1q43.
Variant type: single nucleotide variant.
Coding change: c.*2584C>T on transcript NM_000254.3 (MANE Select); 2584 bases downstream of the stop codon, C replaced by T.
Molecular consequence: 3 prime UTR variant.
Genome position (GRCh38, 1-based): chr1:236,900,228, C>T. VCF-style: chr1-236900228-C-T. GRCh37 (hg19) VCF-style: chr1-237063528-C-T.
Other names: c.*2584C>T (NM_001291940.2, NM_001291939.1).
Identifiers: ClinVar variation 874836 (VCV000874836.4), dbSNP rs112752174, ClinGen allele CA1474819.
Genomic context (GRCh38, chr1:236,900,228, plus strand): 5'-CTGTCTACAGGAAAATAGGTGAATAATTAGATATATATATTCATTCTACGGGATATTATT[C>T]AGTAGTGGAAATGAGTGAACTACAGCTATACCTCACAATAAGAATGAATCTCAGAAAATA-3'